The following is an entry in ClinVar:

ClinVar aggregate classification (germline): Uncertain significance (1 of 4 stars; one submission).

Conditions:
Hereditary nonpolyposis colorectal neoplasms. Identifiers: MedGen C0009405, MeSH D003123.

Submission:

Labcorp Genetics (formerly Invitae), Labcorp
Classification: Uncertain significance for Hereditary nonpolyposis colorectal neoplasms. Last evaluated: 2024-09-12. Review status: criteria provided, single submitter. Criteria: Invitae Variant Classification Sherloc (09022015). Collection method: clinical testing. Allele origin: germline.
Comment: This sequence change replaces cysteine, which is neutral and slightly polar, with phenylalanine, which is neutral and non-polar, at codon 276 of the PMS2 protein (p.Cys276Phe). This variant is not present in population databases (gnomAD no frequency). This variant has not been reported in the literature in individuals affected with PMS2-related conditions. Invitae Evidence Modeling of protein sequence and biophysical properties (such as structural, functional, and spatial information, amino acid conservation, physicochemical variation, residue mobility, and thermodynamic stability) indicates that this missense variant is expected to disrupt PMS2 protein function with a positive predictive value of 80%. In summary, the available evidence is currently insufficient to determine the role of this variant in disease. Therefore, it has been classified as a Variant of Uncertain Significance.

NM_000535.7(PMS2):c.827G>T (p.Cys276Phe)

Gene: PMS2 (PMS1 homolog 2, mismatch repair system component; minus strand). Cytogenetic location: 7p22.1.
Variant type: single nucleotide variant.
Coding change: c.827G>T on transcript NM_000535.7 (MANE Select); coding-DNA position 827, G replaced by T.
Protein change: p.Cys276Phe; replaces cysteine 276 with phenylalanine.
Molecular consequence: missense variant. On other transcripts: 5 prime UTR variant (2), non-coding transcript variant (1), intron variant (4).
Genome position (GRCh38, 1-based): chr7:5,995,610, C>A on the plus strand (G>T on the coding strand, the complement: PMS2 is on the minus strand). VCF-style: chr7-5995610-C-A. GRCh37 (hg19) VCF-style: chr7-6035241-C-A.
Other names: c.827G>T, p.Cys276Phe (NM_001322006.2, NM_001322014.2, NM_001406870.1 and 2 more transcripts); c.509G>T, p.Cys170Phe (NM_001322007.2, NM_001322008.2, NM_001406883.1 and 4 more transcripts); c.422G>T, p.Cys141Phe (NM_001322009.2, NM_001322010.2, NM_001406887.1 and 19 more transcripts); c.-107G>T (NM_001322011.2, NM_001322012.2); c.254G>T, p.Cys85Phe (NM_001322013.2, NM_001406909.1); c.518G>T, p.Cys173Phe (NM_001322015.2, NM_001406878.1, NM_001406879.1 and 6 more transcripts); c.1013G>T, p.Cys338Phe (NM_001406866.1); c.659G>T, p.Cys220Phe (NM_001406884.1, NM_001406874.1); and 8 more; short protein forms C173F, C276F, C284F, C240F, C338F, C105F, C141F, C164F.
Identifiers: ClinVar variation 3632157 (VCV003632157.2).